The following is an entry in ClinVar:

NC_000017.11:g.(?_61683296)_(61693522_?)dup

Gene: BRIP1 (BRCA1 interacting DNA helicase 1; minus strand). Cytogenetic location: 17q23.2.
Variant type: Duplication.
Identifiers: ClinVar variation 831840 (VCV000831840.4).

ClinVar aggregate classification (germline): Uncertain significance (1 of 4 stars; one submission).

Conditions:
Fanconi anemia complementation group J. Also called: BRIP1-Related Fanconi Anemia. Identifiers: Orphanet 84, MedGen C1836860, MONDO:0012187, OMIM 609054.
Familial cancer of breast. Also called: hereditary breast carcinoma; BREAST CANCER, FAMILIAL; Hereditary breast cancer. Identifiers: Orphanet 227535, MedGen C0346153, MONDO:0016419, OMIM 114480. Disease mechanism: loss of function.

Submission:

Labcorp Genetics (formerly Invitae), Labcorp
Classification: Uncertain significance for Familial cancer of breast; Fanconi anemia complementation group J. Last evaluated: 2020-01-01. Review status: criteria provided, single submitter. Criteria: Invitae Variant Classification Sherloc (09022015). Collection method: clinical testing. Allele origin: germline.
Comment: This variant results in a copy number gain of the genomic region encompassing exons 18-20 of the BRIP1 gene. The 5' boundary is likely confined to intron 17. The 3' end of this event is unknown as it extends beyond the assayed region for this gene and therefore may encompass additional genes. As the precise location of this event is unknown, it may be in tandem or it may be located elsewhere in the genome. This variant has not been reported in the literature in individuals with BRIP1-related conditions. In summary, the available evidence is currently insufficient to determine the role of this variant in disease. Therefore, it has been classified as a Variant of Uncertain Significance.